The following is an entry in ClinVar:

ClinVar aggregate classification (germline): Pathogenic (1 of 4 stars; one submission).

gnomAD v4.1: 1 of 1,611,328 alleles (0.000062%); highest among the groups gnomAD compares: Non-Finnish European, 0.000085%; no homozygotes.

Submission:

GeneDx
Classification: Pathogenic. Last evaluated: 2023-11-14. Review status: criteria provided, single submitter. Criteria: GeneDx Variant Classification Process June 2021. Collection method: clinical testing. Allele origin: germline. Affected: yes.
Comment: Nonsense variant predicted to result in protein truncation or nonsense mediated decay in a gene for which loss of function is a known mechanism of disease; Not observed at significant frequency in large population cohorts (gnomAD); Has not been previously published as pathogenic or benign to our knowledge; This variant is associated with the following publications: (PMID: 22335739)

NM_001267550.2(TTN):c.49412G>A (p.Trp16471Ter)

Genes: TTN (titin; minus strand), TTN-AS1 (TTN antisense RNA 1; plus strand). Cytogenetic location: 2q31.2.
Variant type: single nucleotide variant.
Coding change: c.49412G>A on transcript NM_001267550.2 (MANE Select); coding-DNA position 49412, G replaced by A.
Protein change: p.Trp16471Ter; replaces tryptophan 16471 with a stop codon.
Molecular consequence: nonsense.
Genome position (GRCh38, 1-based): chr2:178,613,871, C>T on the plus strand (G>A on the coding strand, the complement: TTN is on the minus strand). VCF-style: chr2-178613871-C-T. GRCh37 (hg19) VCF-style: chr2-179478598-C-T.
Other names: c.44489G>A, p.Trp14830Ter (NM_001256850.1); c.22217G>A, p.Trp7406Ter (NM_003319.4); c.41708G>A, p.Trp13903Ter (NM_133378.4); c.22592G>A, p.Trp7531Ter (NM_133432.3); c.22793G>A, p.Trp7598Ter (NM_133437.4); short protein forms W13903*, W14830*, W16471*, W7406*, W7531*, W7598*.
Identifiers: ClinVar variation 3364314 (VCV003364314.1).